The following is an entry in ClinVar:

NM_001374259.2(IL12RB2):c.446G>A (p.Arg149Gln)

Gene: IL12RB2 (interleukin 12 receptor subunit beta 2; plus strand). Cytogenetic location: 1p31.3.
Variant type: single nucleotide variant.
Coding change: c.446G>A on transcript NM_001374259.2 (MANE Select); coding-DNA position 446, G replaced by A.
Protein change: p.Arg149Gln; replaces arginine 149 with glutamine.
Molecular consequence: missense variant. On other transcripts: non-coding transcript variant (2).
Genome position (GRCh38, 1-based): chr1:67,326,816, G>A. VCF-style: chr1-67326816-G-A. GRCh37 (hg19) VCF-style: chr1-67792499-G-A.
Other names: c.446G>A, p.Arg149Gln (NM_001258214.1, NM_001258215.1, NM_001258216.1 and 2 more transcripts); short protein forms R149Q.
Identifiers: ClinVar variation 774581 (VCV000774581.14), dbSNP rs17129792, ClinGen allele CA900188.

ClinVar aggregate classification (germline): Benign. Review status: criteria provided, multiple submitters, no conflicts (2 of 4 stars). 3 submissions from 3 submitters: Benign (2). 1 of the submissions does not count toward it. Last evaluated 2026-02-02.

Conditions:
IL12RB2-related disorder. Also called: IL12RB2-related condition.

Allele frequency attached by ClinVar (database versions not stated): ExAC 0.00352; gnomAD 0.00814 and 0.00866; 1000 Genomes Project 0.00839; 1000 Genomes Project 30x 0.00890; ESP Exome Variant Server 0.00915; TOPMed 0.00948.

Submissions (3):

Labcorp Genetics (formerly Invitae), Labcorp
Classification: Benign. Last evaluated: 2026-02-02. Review status: criteria provided, single submitter. Criteria: Invitae Variant Classification Sherloc (09022015). Collection method: clinical testing. Allele origin: germline.

Breakthrough Genomics
Classification: Benign. Review status: criteria provided, single submitter. Criteria: ACMG Guidelines, 2015. Collection method: not provided. Allele origin: germline. Inheritance: Unknown mechanism. Affected: yes.

PreventionGenetics, part of Exact Sciences
Classification: Benign for IL12RB2-related condition. Last evaluated: 2019-02-19. Review status: no assertion criteria provided. Collection method: clinical testing. Allele origin: germline. Not counted in ClinVar's aggregate classification.
Comment: This variant is classified as benign based on ACMG/AMP sequence variant interpretation guidelines (Richards et al. 2015 PMID: 25741868, with internal and published modifications).